The following is an entry in ClinVar:

ClinVar aggregate classification (germline): Uncertain significance (1 of 4 stars; one submission).

Conditions:
Spinocerebellar ataxia 42, early-onset, severe, with neurodevelopmental deficits. Identifiers: MedGen C4748120, MONDO:0060758, OMIM 618087.

Allele frequency attached by ClinVar (database versions not stated): gnomAD exomes below 0.00001.

Submission:

3billion
Classification: Uncertain significance for Spinocerebellar ataxia 42, early-onset, severe, with neurodevelopmental deficits. Last evaluated: 2022-09-01. Review status: criteria provided, single submitter. Criteria: ACMG Guidelines, 2015. Collection method: clinical testing. Allele origin: germline. Affected: yes. Observed: 1 homozygote.
Comment: The variant is not observed in the gnomAD v2.1.1 dataset. Missense changes are a common disease-causing mechanism. Therefore, this variant is classified as uncertain significance according to the recommendation of ACMG/AMP guideline.

NM_018896.5(CACNA1G):c.907G>A (p.Glu303Lys)

Gene: CACNA1G (calcium voltage-gated channel subunit alpha1 G; plus strand). Cytogenetic location: 17q21.33.
Variant type: single nucleotide variant.
Coding change: c.907G>A on transcript NM_018896.5 (MANE Select); coding-DNA position 907, G replaced by A.
Protein change: p.Glu303Lys; replaces glutamic acid 303 with lysine.
Molecular consequence: missense variant. On other transcripts: non-coding transcript variant (5).
Genome position (GRCh38, 1-based): chr17:50,572,714, G>A. VCF-style: chr17-50572714-G-A. GRCh37 (hg19) VCF-style: chr17-48650075-G-A.
Other names: c.907G>A, p.Glu303Lys (NM_001256324.2, NM_001256325.2, NM_001256326.2 and 24 more transcripts); short protein forms E303K.
Identifiers: ClinVar variation 1705373 (VCV001705373.1), dbSNP rs1050691652, ClinGen allele CA291593170.